The following is an entry in ClinVar:

NM_182961.4(SYNE1):c.8609C>T (p.Ser2870Phe)

Genes: SYNE1 (spectrin repeat containing nuclear envelope protein 1; minus strand), LOC126859838 (CDK7 strongly-dependent group 2 enhancer GRCh37_chr6:152706655-152707854; plus strand). Cytogenetic location: 6q25.2.
Variant type: single nucleotide variant.
Coding change: c.8609C>T on transcript NM_182961.4 (MANE Select); coding-DNA position 8609, C replaced by T.
Protein change: p.Ser2870Phe; replaces serine 2870 with phenylalanine.
Molecular consequence: missense variant.
Genome position (GRCh38, 1-based): chr6:152,385,717, G>A on the plus strand (C>T on the coding strand, the complement: SYNE1 is on the minus strand). VCF-style: chr6-152385717-G-A. GRCh37 (hg19) VCF-style: chr6-152706852-G-A.
Other names: c.8630C>T, p.Ser2877Phe (NM_033071.5); c.8609C>T (NM_182961.2); short protein forms S2870F, S2877F.
Identifiers: ClinVar variation 1038436 (VCV001038436.8), dbSNP rs2097516831, ClinGen allele CA366145373.

ClinVar aggregate classification (germline): Uncertain significance. Review status: criteria provided, multiple submitters, no conflicts (2 of 4 stars). 2 submissions from 2 submitters: Uncertain significance (2). Last evaluated 2023-11-06.

Conditions:
Emery-Dreifuss muscular dystrophy 4, autosomal dominant (EDMD4). Also called: EMERY-DREIFUSS MUSCULAR DYSTROPHY 4 WITH VARIABLE FEATURES. Identifiers: Orphanet 261, MedGen C2751807, MONDO:0013071, OMIM 612998.
Autosomal recessive ataxia, Beauce type. Also called: Spinocerebellar ataxia, autosomal recessive 8; ATAXIA, RECESSIVE, OF BEAUCE; SYNE1 Deficiency; SYNE1-Related Autosomal Recessive Cerebellar Ataxia. Identifiers: Orphanet 88644, MedGen C1853116, MONDO:0012549, OMIM 610743.

Submissions (2):

Athena Diagnostics
Classification: Uncertain significance. Last evaluated: 2023-11-06. Review status: criteria provided, single submitter. Criteria: Athena Diagnostics Criteria. Collection method: clinical testing. Allele origin: unknown.
Comment: Available data are insufficient to determine the clinical significance of the variant at this time. This variant has not been reported in large, multi-ethnic general populations. Computational tools disagree on the variant's effect on normal protein function.

Labcorp Genetics (formerly Invitae), Labcorp
Classification: Uncertain significance for Emery-Dreifuss muscular dystrophy 4, autosomal dominant; Autosomal recessive ataxia, Beauce type. Last evaluated: 2020-06-10. Review status: criteria provided, single submitter. Criteria: Invitae Variant Classification Sherloc (09022015). Collection method: clinical testing. Allele origin: germline.
Comment: This variant has not been reported in the literature in individuals with SYNE1-related conditions. This variant is not present in population databases (ExAC no frequency). This sequence change replaces serine with phenylalanine at codon 2877 of the SYNE1 protein (p.Ser2877Phe). The serine residue is highly conserved and there is a large physicochemical difference between serine and phenylalanine. Algorithms developed to predict the effect of missense changes on protein structure and function (SIFT, PolyPhen-2, Align-GVGD) all suggest that this variant is likely to be disruptive, but these predictions have not been confirmed by published functional studies and their clinical significance is uncertain. In summary, the available evidence is currently insufficient to determine the role of this variant in disease. Therefore, it has been classified as a Variant of Uncertain Significance.